The following is an entry in ClinVar:

ClinVar aggregate classification (germline): Uncertain significance. Review status: criteria provided, multiple submitters, no conflicts (2 of 4 stars). 3 submissions from 3 submitters: Uncertain significance (3). Last evaluated 2024-03-26.

Conditions:
Developmental and epileptic encephalopathy, 12 (DEE12). Identifiers: MedGen C3150988, MONDO:0013389, OMIM 613722.

Allele frequency attached by ClinVar (database versions not stated): gnomAD 0.00002; TOPMed 0.00004.
gnomAD v4.1: 17 of 1,613,462 alleles (0.0011%); highest among the groups gnomAD compares: African/African-American, 0.0027%; no homozygotes.

Submissions (3):

Genomic Medicine Center of Excellence, King Faisal Specialist Hospital and Research Centre
Classification: Uncertain significance for Developmental and epileptic encephalopathy, 12. Last evaluated: 2024-03-26. Review status: criteria provided, single submitter. Criteria: ACMG Guidelines, 2015. Collection method: clinical testing. Allele origin: germline.

Labcorp Genetics (formerly Invitae), Labcorp
Classification: Uncertain significance for Developmental and epileptic encephalopathy, 12. Last evaluated: 2021-08-27. Review status: criteria provided, single submitter. Criteria: Invitae Variant Classification Sherloc (09022015). Collection method: clinical testing. Allele origin: germline.
Comment: This sequence change replaces alanine with threonine at codon 1046 of the PLCB1 protein (p.Ala1046Thr). The alanine residue is moderately conserved and there is a small physicochemical difference between alanine and threonine. This variant is not present in population databases (ExAC no frequency). This variant has not been reported in the literature in individuals affected with PLCB1-related conditions. Algorithms developed to predict the effect of missense changes on protein structure and function are either unavailable or do not agree on the potential impact of this missense change (SIFT: "Tolerated"; PolyPhen-2: "Possibly Damaging"; Align-GVGD: "Class C0"). In summary, the available evidence is currently insufficient to determine the role of this variant in disease. Therefore, it has been classified as a Variant of Uncertain Significance.

Mayo Clinic Laboratories, Mayo Clinic
Classification: Uncertain significance. Last evaluated: 2019-07-14. Review status: criteria provided, single submitter. Criteria: ACMG Guidelines, 2015. Collection method: clinical testing. Allele origin: germline. Observed: 1 variant allele.

NM_015192.4(PLCB1):c.3136G>A (p.Ala1046Thr)

Gene: PLCB1 (phospholipase C beta 1; plus strand). Cytogenetic location: 20p12.3.
Variant type: single nucleotide variant.
Coding change: c.3136G>A on transcript NM_015192.4 (MANE Select); coding-DNA position 3136, G replaced by A.
Protein change: p.Ala1046Thr; replaces alanine 1046 with threonine.
Molecular consequence: missense variant.
Genome position (GRCh38, 1-based): chr20:8,788,473, G>A. VCF-style: chr20-8788473-G-A. GRCh37 (hg19) VCF-style: chr20-8769120-G-A.
Other names: c.3136G>A, p.Ala1046Thr (NM_182734.3); short protein forms A1046T.
Identifiers: ClinVar variation 1050950 (VCV001050950.11), dbSNP rs778097231, ClinGen allele CA311275974.